The following is an entry in ClinVar:

ClinVar aggregate classification (germline): Uncertain significance. Review status: criteria provided, multiple submitters, no conflicts (2 of 4 stars). 3 submissions from 3 submitters: Uncertain significance (2). 1 of the submissions does not count toward it. Last evaluated 2024-02-28.

Conditions:
Bardet-Biedl syndrome 14 (BBS14). Identifiers: Orphanet 110, MedGen C2673874, MONDO:0014442, OMIM 615991.
Senior-Loken syndrome 6 (SLSN6). Identifiers: Orphanet 3156, MedGen C1857779, MONDO:0012433, OMIM 610189.
Joubert syndrome 5 (JBTS5). Identifiers: Orphanet 2318, MedGen C1857780, MONDO:0012432, OMIM 610188.
Meckel syndrome, type 4 (MKS4). Also called: MECKEL-GRUBER SYNDROME, TYPE 4. Identifiers: Orphanet 564, MedGen C1970161, MONDO:0012626, OMIM 611134.
Leber congenital amaurosis 10 (LCA10). Identifiers: Orphanet 65, MedGen C1857821, MONDO:0012723, OMIM 611755.
Nephronophthisis. Also called: Juvenile Nephronophthisis. Identifiers: Orphanet 655, MedGen C0687120, MONDO:0019005, HP:0000090.
Meckel-Gruber syndrome. Also called: DYSENCEPHALIA SPLANCHNOCYSTICA; GRUBER SYNDROME; Dysencephalia splachnocystica. Identifiers: Orphanet 564, MedGen C0265215, MONDO:0018921.
Joubert syndrome. Also called: CEREBELLOPARENCHYMAL DISORDER IV; JOUBERT-BOLTSHAUSER SYNDROME; Familial aplasia of the vermis. Identifiers: Orphanet 475, MedGen C5979921, MONDO:0018772.
CEP290-related disorder. Also called: CEP290-related condition; CEP290-related disorders. Identifiers: MedGen CN239314.

Allele frequency attached by ClinVar (database versions not stated): gnomAD exomes below 0.00001; TOPMed 0.00001.
gnomAD v4.1: 2 of 1,485,686 alleles (0.00013%); highest among the groups gnomAD compares: Admixed American, 0.0027%; no homozygotes.

Submissions (3):

Fulgent Genetics
Classification: Uncertain significance for Joubert syndrome 5; Senior-Loken syndrome 6; Meckel syndrome, type 4; Leber congenital amaurosis 10; Bardet-Biedl syndrome 14. Last evaluated: 2024-02-28. Review status: criteria provided, single submitter. Criteria: ACMG Guidelines, 2015. Collection method: clinical testing. Allele origin: germline.

Labcorp Genetics (formerly Invitae), Labcorp
Classification: Uncertain significance for Joubert syndrome; Meckel-Gruber syndrome; Nephronophthisis. Last evaluated: 2024-01-24. Review status: criteria provided, single submitter. Criteria: Invitae Variant Classification Sherloc (09022015). Collection method: clinical testing. Allele origin: germline.
Comment: This sequence change replaces alanine, which is neutral and non-polar, with serine, which is neutral and polar, at codon 352 of the CEP290 protein (p.Ala352Ser). This variant is not present in population databases (gnomAD no frequency). This variant has not been reported in the literature in individuals affected with CEP290-related conditions. ClinVar contains an entry for this variant (Variation ID: 1899467). Advanced modeling of protein sequence and biophysical properties (such as structural, functional, and spatial information, amino acid conservation, physicochemical variation, residue mobility, and thermodynamic stability) performed at Invitae indicates that this missense variant is not expected to disrupt CEP290 protein function with a negative predictive value of 80%. In summary, the available evidence is currently insufficient to determine the role of this variant in disease. Therefore, it has been classified as a Variant of Uncertain Significance.

PreventionGenetics, part of Exact Sciences
Classification: Uncertain significance for CEP290-related condition. Last evaluated: 2024-04-24. Review status: no assertion criteria provided. Collection method: clinical testing. Allele origin: germline. Not counted in ClinVar's aggregate classification.
Comment: The CEP290 c.1054G>T variant is predicted to result in the amino acid substitution p.Ala352Ser. To our knowledge, this variant has not been reported in the literature or in a large population database, indicating this variant is rare. At this time, the clinical significance of this variant is uncertain due to the absence of conclusive functional and genetic evidence.

NM_025114.4(CEP290):c.1054G>T (p.Ala352Ser)

Gene: CEP290 (centrosomal protein 290; minus strand). Cytogenetic location: 12q21.32.
Variant type: single nucleotide variant.
Coding change: c.1054G>T on transcript NM_025114.4 (MANE Select); coding-DNA position 1054, G replaced by T.
Protein change: p.Ala352Ser; replaces alanine 352 with serine.
Molecular consequence: missense variant.
Genome position (GRCh38, 1-based): chr12:88,126,327, C>A on the plus strand (G>T on the coding strand, the complement: CEP290 is on the minus strand). VCF-style: chr12-88126327-C-A. GRCh37 (hg19) VCF-style: chr12-88520104-C-A.
Other names: c.1054G>T (NM_025114.3); short protein forms A352S.
Identifiers: ClinVar variation 1899467 (VCV001899467.8), dbSNP rs1206964618, ClinGen allele CA385982628.
Genomic context (GRCh38, chr12:88,126,327, plus strand): 5'-CCAACTGTAATAAAACTGGTTGATAAACAAAATTCTGTTAAGATTTTACCTGCTGTAGAG[C>A]CATAACATTACTTTTATCAGCATCAAGCTGAGCATTCTTAAGTTTCTCCCTTAGGTTATG-3'
Protein context (NP_079390.3, residues 342-362): QLDADKSNVM[Ala352Ser]LQQGIQERDS